The following is an entry in ClinVar:

ClinVar aggregate classification (germline): Likely pathogenic (1 of 4 stars; one submission).

Conditions:
Renal hypodysplasia/aplasia 3 (RHDA3). Identifiers: MedGen C4540497, MONDO:0024520, OMIM 617805.

gnomAD v4.1: 1 of 1,551,634 alleles (0.000064%); highest among the groups gnomAD compares: Non-Finnish European, 0.000087%; no homozygotes.

Submission:

Molecular Genetics Laboratory, Motol Hospital
Classification: Likely pathogenic for Renal hypodysplasia/aplasia 3. Last evaluated: 2025-09-15. Review status: criteria provided, single submitter. Criteria: ACMG Guidelines, 2015. Collection method: clinical testing. Allele origin: germline. Affected: yes. Observed: 4 variant alleles.
Comment: Rare variant present in gnomAD (v4.1.0, 1x heterozygous state), and dbSNP - rs1347286406 (PM2). Rare variants affecting the GREB1L gene are associated with autosomal dominant "renal hypodysplasia/aplasia 3" (RHDA3, MIM:617805; PMID:38309594;PMID:32598191;PMID:36371238). The studies report on the intra- and interfamilial incomplete penetrance and variable expressivity. To conclude, the variant is classified as likely pathogenic (ACMG PM2, PP1, PP2).

Literature cited by the submitters: PubMed 38309594; PubMed 32598191; PubMed 36371238.

NM_001142966.3(GREB1L):c.4796G>A (p.Arg1599His)

Gene: GREB1L (GREB1 like retinoic acid receptor coactivator; plus strand). Cytogenetic location: 18q11.2.
Variant type: single nucleotide variant.
Coding change: c.4796G>A on transcript NM_001142966.3 (MANE Select); coding-DNA position 4796, G replaced by A.
Protein change: p.Arg1599His; replaces arginine 1599 with histidine.
Molecular consequence: missense variant.
Genome position (GRCh38, 1-based): chr18:21,513,881, G>A. VCF-style: chr18-21513881-G-A. GRCh37 (hg19) VCF-style: chr18-19093842-G-A.
Other names: c.4925G>A, p.Arg1642His (NM_001410867.1); c.4469G>A, p.Arg1490His (NM_001410868.1); short protein forms R1490H, R1599H, R1642H.
Identifiers: ClinVar variation 4086073 (VCV004086073.1).
Genomic context (GRCh38, chr18:21,513,881, plus strand): 5'-GTGCTGCCAGGTTCCTCATCAAGGAGCTATCATATCACAACCTAGAATTGGAGAGAAACC[G>A]CCTGGAGGAGCTAGGCATTAAACGCCAGTGTGTCTGGCCTTTCATCGTCATGATGGATGA-3'
Protein context (NP_001136438.1, residues 1589-1609): SYHNLELERN[Arg1599His]LEELGIKRQC